The following is an entry in ClinVar:

NM_198576.4(AGRN):c.1930G>A (p.Glu644Lys)

Gene: AGRN (agrin; plus strand). Cytogenetic location: 1p36.33.
Variant type: single nucleotide variant.
Coding change: c.1930G>A on transcript NM_198576.4 (MANE Select); coding-DNA position 1930, G replaced by A.
Protein change: p.Glu644Lys; replaces glutamic acid 644 with lysine.
Molecular consequence: missense variant.
Genome position (GRCh38, 1-based): chr1:1,043,954, G>A. VCF-style: chr1-1043954-G-A. GRCh37 (hg19) VCF-style: chr1-979334-G-A.
Other names: c.1930G>A, p.Glu644Lys (NM_001305275.2); c.1615G>A, p.Glu539Lys (NM_001364727.2); short protein forms E644K, E539K.
Identifiers: ClinVar variation 1486253 (VCV001486253.6), dbSNP rs767435056, ClinGen allele CA508383.
Genomic context (GRCh38, chr1:1,043,954, plus strand): 5'-GAGCACCCCCCGCCCGGCCCCGTGTGTGGCAGCGACGGTGTCACCTACGGCAGTGCCTGC[G>A]AGCTACGGGAAGCCGCCTGCCTCCAGCAGACACAGATCGAGGAGGCCCGGGCAGGGCCGT-3'
Protein context (NP_940978.2, residues 634-654): SDGVTYGSAC[Glu644Lys]LREAACLQQT

ClinVar aggregate classification (germline): Uncertain significance (1 of 4 stars; one submission).

Conditions:
Congenital myasthenic syndrome 8. Also called: MYASTHENIC SYNDROME, CONGENITAL, DUE TO AGRIN DEFICIENCY; Myasthenic syndrome, congenital, 8, with pre- and postsynaptic defects. Identifiers: Orphanet 590, MedGen C3808739, MONDO:0014052, OMIM 615120.

Allele frequency attached by ClinVar (database versions not stated): ExAC 0.00001; gnomAD exomes 0.00001; gnomAD 0.00002 and 0.00004; TOPMed 0.00003.
gnomAD v4.1: 21 of 1,606,028 alleles (0.0013%); highest among the groups gnomAD compares: East Asian, 0.0022%; no homozygotes.

Submission:

Labcorp Genetics (formerly Invitae), Labcorp
Classification: Uncertain significance for Congenital myasthenic syndrome 8. Last evaluated: 2021-09-26. Review status: criteria provided, single submitter. Criteria: Invitae Variant Classification Sherloc (09022015). Collection method: clinical testing. Allele origin: germline.
Comment: In summary, the available evidence is currently insufficient to determine the role of this variant in disease. Therefore, it has been classified as a Variant of Uncertain Significance. Algorithms developed to predict the effect of missense changes on protein structure and function are either unavailable or do not agree on the potential impact of this missense change (SIFT: "Deleterious"; PolyPhen-2: "Possibly Damaging"; Align-GVGD: "Class C0"). This variant has not been reported in the literature in individuals affected with AGRN-related conditions. This variant is present in population databases (rs767435056, ExAC 0.002%). This sequence change replaces glutamic acid with lysine at codon 644 of the AGRN protein (p.Glu644Lys). The glutamic acid residue is highly conserved and there is a small physicochemical difference between glutamic acid and lysine.